The following is an entry in ClinVar:

NM_152564.5(VPS13B):c.3404A>G (p.Gln1135Arg)

Gene: VPS13B (vacuolar protein sorting 13 homolog B; plus strand). Cytogenetic location: 8q22.2.
Variant type: single nucleotide variant.
Coding change: c.3404A>G on transcript NM_152564.5 (MANE Select); coding-DNA position 3404, A replaced by G.
Protein change: p.Gln1135Arg; replaces glutamine 1135 with arginine.
Molecular consequence: missense variant.
Genome position (GRCh38, 1-based): chr8:99,442,594, A>G. VCF-style: chr8-99442594-A-G. GRCh37 (hg19) VCF-style: chr8-100454822-A-G.
Other names: c.3404A>G, p.Gln1135Arg (NM_017890.5); short protein forms Q1135R.
Identifiers: ClinVar variation 3356838 (VCV003356838.1).

ClinVar aggregate classification (germline): Uncertain significance (0 of 4 stars; one submission).

Conditions:
VPS13B-related disorder. Also called: VPS13B-related condition.

gnomAD v4.1: 2 of 1,614,004 alleles (0.00012%); highest among the groups gnomAD compares: Non-Finnish European, 0.00017%; no homozygotes.

Submission:

PreventionGenetics, part of Exact Sciences
Classification: Uncertain significance for VPS13B-related condition. Last evaluated: 2024-03-11. Review status: no assertion criteria provided. Collection method: clinical testing. Allele origin: germline.
Comment: The VPS13B c.3404A>G variant is predicted to result in the amino acid substitution p.Gln1135Arg. To our knowledge, this variant has not been reported in the literature or in a large population database, indicating this variant is rare. At this time, the clinical significance of this variant is uncertain due to the absence of conclusive functional and genetic evidence.